The following is an entry in ClinVar:

NM_000321.3(RB1):c.1389A>G (p.Ser463=)

Gene: RB1 (RB transcriptional corepressor 1; plus strand). Cytogenetic location: 13q14.2.
Variant type: single nucleotide variant.
Coding change: c.1389A>G on transcript NM_000321.3 (MANE Select); coding-DNA position 1389, A replaced by G.
Protein change: p.Ser463=; no amino-acid change (serine 463 retained).
Molecular consequence: synonymous variant.
Genome position (GRCh38, 1-based): chr13:48,379,650, A>G. VCF-style: chr13-48379650-A-G. GRCh37 (hg19) VCF-style: chr13-48953786-A-G.
Identifiers: ClinVar variation 819083 (VCV000819083.9), dbSNP rs1486168292, ClinGen allele CA483559240.

ClinVar aggregate classification (germline): Conflicting classifications of pathogenicity. Review status: criteria provided, conflicting classifications (1 of 4 stars). 4 submissions from 4 submitters: Uncertain significance (1); Likely benign (3). Last evaluated 2023-11-20.

Conditions:
Hereditary cancer-predisposing syndrome. Also called: Tumor predisposition; Hereditary neoplastic syndrome; Neoplastic Syndromes, Hereditary; Hereditary Cancer Syndrome. Identifiers: Orphanet 140162, MedGen C0027672, MeSH D009386, MONDO:0015356.
Retinoblastoma (RB1). Also called: RETINOBLASTOMA, SOMATIC. Identifiers: Orphanet 790, MedGen C0035335, MeSH D012175, MONDO:0008380, OMIM 180200, HP:0009919. Disease mechanism: loss of function. Inheritance: Both sporadic and heritable forms are tested..

Allele frequency attached by ClinVar (database versions not stated): gnomAD exomes below 0.00001; gnomAD 0.00001.
gnomAD v4.1: 2 of 1,611,182 alleles (0.00012%); highest among the groups gnomAD compares: Non-Finnish European, 0.00017%; no homozygotes.

Submissions (4):

All of Us Research Program, National Institutes of Health
Classification: Likely benign for Retinoblastoma. Last evaluated: 2023-11-20. Review status: criteria provided, single submitter. Criteria: ACMG Guidelines, 2015. Collection method: clinical testing. Allele origin: germline. Inheritance: Autosomal dominant inheritance. Observed: 3 variant alleles, 3 heterozygotes.
Comment: This study involves interpretation of variants in research participants for the purpose of population health screening. Participant phenotype was not available at the time of variant classification. Additional details can be found in publication PMID: 35346344, PMCID: PMC8962531

Color Diagnostics, LLC DBA Color Health
Classification: Likely benign for Retinoblastoma. Last evaluated: 2023-07-26. Review status: criteria provided, single submitter. Criteria: ACMG Guidelines, 2015. Collection method: clinical testing. Allele origin: germline.

Labcorp Genetics (formerly Invitae), Labcorp
Classification: Uncertain significance for Retinoblastoma. Last evaluated: 2022-11-25. Review status: criteria provided, single submitter. Criteria: Invitae Variant Classification Sherloc (09022015). Collection method: clinical testing. Allele origin: germline.
Comment: This sequence change affects codon 463 of the RB1 mRNA. It is a 'silent' change, meaning that it does not change the encoded amino acid sequence of the RB1 protein. It affects a nucleotide within the consensus splice site. This variant is present in population databases (no rsID available, gnomAD 0.0009%). This variant has not been reported in the literature in individuals affected with RB1-related conditions. ClinVar contains an entry for this variant (Variation ID: 819083). Algorithms developed to predict the effect of sequence changes on RNA splicing suggest that this variant is not likely to affect RNA splicing. In summary, the available evidence is currently insufficient to determine the role of this variant in disease. Therefore, it has been classified as a Variant of Uncertain Significance.

Ambry Genetics
Classification: Likely benign for Hereditary cancer-predisposing syndrome. Last evaluated: 2018-03-18. Review status: criteria provided, single submitter. Criteria: Ambry Variant Classification Scheme 2023. Collection method: clinical testing. Allele origin: germline.